The following is an entry in ClinVar:

ClinVar aggregate classification (germline): Uncertain significance. Review status: criteria provided, multiple submitters, no conflicts (2 of 4 stars). 3 submissions from 3 submitters: Uncertain significance (3). Last evaluated 2024-10-29.

Conditions:
Inborn genetic diseases. Identifiers: MedGen C0950123, MeSH D030342.
Nemaline myopathy 10 (NEM10). Identifiers: MedGen C4015360, MONDO:0014513, OMIM 616165.

Allele frequency attached by ClinVar (database versions not stated): ExAC 0.00002; gnomAD 0.00002; gnomAD exomes 0.00002 and 0.00003; TOPMed 0.00002.
gnomAD v4.1: 37 of 1,613,738 alleles (0.0023%); highest among the groups gnomAD compares: Middle Eastern, 0.049%; no homozygotes.

Submissions (3):

Labcorp Genetics (formerly Invitae), Labcorp
Classification: Uncertain significance for Nemaline myopathy 10. Last evaluated: 2024-10-29. Review status: criteria provided, single submitter. Criteria: Invitae Variant Classification Sherloc (09022015). Collection method: clinical testing. Allele origin: germline.
Comment: This sequence change replaces isoleucine, which is neutral and non-polar, with leucine, which is neutral and non-polar, at codon 417 of the LMOD3 protein (p.Ile417Leu). This variant is present in population databases (rs745957045, gnomAD 0.006%). This variant has not been reported in the literature in individuals affected with LMOD3-related conditions. ClinVar contains an entry for this variant (Variation ID: 580464). An algorithm developed to predict the effect of missense changes on protein structure and function (PolyPhen-2) suggests that this variant is likely to be tolerated. In summary, the available evidence is currently insufficient to determine the role of this variant in disease. Therefore, it has been classified as a Variant of Uncertain Significance.

Ambry Genetics
Classification: Uncertain significance for Inborn genetic diseases. Last evaluated: 2023-12-28. Review status: criteria provided, single submitter. Criteria: Ambry Variant Classification Scheme 2023. Collection method: clinical testing. Allele origin: germline.

Kariminejad - Najmabadi Pathology & Genetics Center
Classification: Uncertain significance for Nemaline myopathy 10. Last evaluated: 2016-10-04. Review status: criteria provided, single submitter. Criteria: ACMG Guidelines, 2015. Collection method: clinical testing. Allele origin: germline. Inheritance: Autosomal recessive inheritance. Affected: yes.
Comment: PM2 BP1

NM_198271.5(LMOD3):c.1249A>T (p.Ile417Leu)

Gene: LMOD3 (leiomodin 3; minus strand). Cytogenetic location: 3p14.1.
Variant type: single nucleotide variant.
Coding change: c.1249A>T on transcript NM_198271.5 (MANE Select); coding-DNA position 1249, A replaced by T.
Protein change: p.Ile417Leu; replaces isoleucine 417 with leucine.
Molecular consequence: missense variant.
Genome position (GRCh38, 1-based): chr3:69,119,106, T>A on the plus strand (A>T on the coding strand, the complement: LMOD3 is on the minus strand). VCF-style: chr3-69119106-T-A. GRCh37 (hg19) VCF-style: chr3-69168257-T-A.
Other names: c.1249A>T (NM_198271.3); c.1249A>T, p.Ile417Leu (NM_001304418.3); short protein forms I417L.
Identifiers: ClinVar variation 580464 (VCV000580464.9), dbSNP rs745957045, ClinGen allele CA2488834.